The following is an entry in ClinVar:

NM_006766.5(KAT6A):c.3915T>C (p.Ala1305=)

Gene: KAT6A (lysine acetyltransferase 6A; minus strand). Cytogenetic location: 8p11.21.
Variant type: single nucleotide variant.
Coding change: c.3915T>C on transcript NM_006766.5 (MANE Select); coding-DNA position 3915, T replaced by C.
Protein change: p.Ala1305=; no amino-acid change (alanine 1305 retained).
Molecular consequence: synonymous variant.
Genome position (GRCh38, 1-based): chr8:41,934,305, A>G on the plus strand (T>C on the coding strand, the complement: KAT6A is on the minus strand). VCF-style: chr8-41934305-A-G. GRCh37 (hg19) VCF-style: chr8-41791823-A-G.
Identifiers: ClinVar variation 1946648 (VCV001946648.29), dbSNP rs756943118, ClinGen allele CA4729579.

ClinVar aggregate classification (germline): Benign/Likely benign. Review status: criteria provided, multiple submitters, no conflicts (2 of 4 stars). 2 submissions from 2 submitters: Benign (1); Likely benign (1). Last evaluated 2025-10-06.

Allele frequency attached by ClinVar (database versions not stated): TOPMed 0.00001; gnomAD 0.00002; ExAC 0.00003.
gnomAD v4.1: 26 of 1,613,924 alleles (0.0016%); highest among the groups gnomAD compares: South Asian, 0.0088%; no homozygotes.

Submissions (2):

Labcorp Genetics (formerly Invitae), Labcorp
Classification: Benign. Last evaluated: 2025-10-06. Review status: criteria provided, single submitter. Criteria: Invitae Variant Classification Sherloc (09022015). Collection method: clinical testing. Allele origin: germline.

CeGaT Center for Human Genetics Tuebingen
Classification: Likely benign. Last evaluated: 2024-10-01. Review status: criteria provided, single submitter. Criteria: CeGaT Center For Human Genetics Tuebingen Variant Classification Criteria Version 2. Collection method: clinical testing. Allele origin: germline. Affected: yes. Observed: 2 variant alleles.
Comment: KAT6A: BP4, BP7